The following is an entry in ClinVar:

NM_002691.4(POLD1):c.482T>A (p.Met161Lys)

Gene: POLD1 (DNA polymerase delta 1, catalytic subunit; plus strand). Cytogenetic location: 19q13.33.
Variant type: single nucleotide variant.
Coding change: c.482T>A on transcript NM_002691.4 (MANE Select); coding-DNA position 482, T replaced by A.
Protein change: p.Met161Lys; replaces methionine 161 with lysine.
Molecular consequence: missense variant. On other transcripts: non-coding transcript variant (1).
Genome position (GRCh38, 1-based): chr19:50,402,017, T>A. VCF-style: chr19-50402017-T-A. GRCh37 (hg19) VCF-style: chr19-50905274-T-A.
Other names: c.482T>A, p.Met161Lys (NM_001256849.1, NM_001308632.1); short protein forms M161K.
Identifiers: ClinVar variation 2736083 (VCV002736083.3), dbSNP rs2513958473, ClinGen allele CA406972951.
Genomic context (GRCh38, chr19:50,402,017, plus strand): 5'-CACTGGAGCCCCCTGCACCTCTGATCATCCCTCCCACACCAGGTTTCGGGCCCGAGCACA[T>A]GGGTGACCTGCAACGGGAGCTGAACTTGGCCATCAGCCGGGACAGTCGCGGGGGGAGGGA-3'
Protein context (NP_002682.2, residues 151-171): PAPPGFGPEH[Met161Lys]GDLQRELNLA

ClinVar aggregate classification (germline): Uncertain significance (1 of 4 stars; one submission).

Conditions:
POLD1-related polyposis and colorectal cancer syndrome (CRCS10). Also called: Colorectal cancer 10; Colorectal cancer, susceptibility to, 10; COLORECTAL CANCER, SUSCEPTIBILITY TO, ON CHROMOSOME 19q. Identifiers: Orphanet 220460, MedGen C2675481, MONDO:0012953, OMIM 612591.

Submission:

Labcorp Genetics (formerly Invitae), Labcorp
Classification: Uncertain significance for POLD1-related polyposis and colorectal cancer syndrome. Last evaluated: 2024-04-15. Review status: criteria provided, single submitter. Criteria: Invitae Variant Classification Sherloc (09022015). Collection method: clinical testing. Allele origin: germline.
Comment: This sequence change replaces methionine, which is neutral and non-polar, with lysine, which is basic and polar, at codon 161 of the POLD1 protein (p.Met161Lys). This variant is not present in population databases (gnomAD no frequency). This variant has not been reported in the literature in individuals affected with POLD1-related conditions. Advanced modeling of protein sequence and biophysical properties (such as structural, functional, and spatial information, amino acid conservation, physicochemical variation, residue mobility, and thermodynamic stability) performed at Invitae indicates that this missense variant is not expected to disrupt POLD1 protein function with a negative predictive value of 80%. In summary, the available evidence is currently insufficient to determine the role of this variant in disease. Therefore, it has been classified as a Variant of Uncertain Significance.